The following is an entry in ClinVar:

ClinVar aggregate classification (germline): Uncertain significance (1 of 4 stars; one submission).

Allele frequency attached by ClinVar (database versions not stated): TOPMed below 0.00001; gnomAD exomes 0.00001.
gnomAD v4.1: 10 of 1,600,350 alleles (0.00062%); highest among the groups gnomAD compares: Non-Finnish European, 0.00068%; no homozygotes.

Submission:

Labcorp Genetics (formerly Invitae), Labcorp
Classification: Uncertain significance. Last evaluated: 2022-06-27. Review status: criteria provided, single submitter. Criteria: Invitae Variant Classification Sherloc (09022015). Collection method: clinical testing. Allele origin: germline.
Comment: In summary, the available evidence is currently insufficient to determine the role of this variant in disease. Therefore, it has been classified as a Variant of Uncertain Significance. Algorithms developed to predict the effect of missense changes on protein structure and function (SIFT, PolyPhen-2, Align-GVGD) all suggest that this variant is likely to be disruptive. ClinVar contains an entry for this variant (Variation ID: 1058450). This variant has not been reported in the literature in individuals affected with ATOH7-related conditions. This variant is not present in population databases (gnomAD no frequency). This sequence change replaces valine, which is neutral and non-polar, with leucine, which is neutral and non-polar, at codon 67 of the ATOH7 protein (p.Val67Leu).

NM_145178.4(ATOH7):c.199G>C (p.Val67Leu)

Gene: ATOH7 (atonal bHLH transcription factor 7; minus strand). Cytogenetic location: 10q21.3.
Variant type: single nucleotide variant.
Coding change: c.199G>C on transcript NM_145178.4 (MANE Select); coding-DNA position 199, G replaced by C.
Protein change: p.Val67Leu; replaces valine 67 with leucine.
Molecular consequence: missense variant.
Genome position (GRCh38, 1-based): chr10:68,231,479, C>G on the plus strand (G>C on the coding strand, the complement: ATOH7 is on the minus strand). VCF-style: chr10-68231479-C-G. GRCh37 (hg19) VCF-style: chr10-69991236-C-G.
Other names: short protein forms V67L.
Identifiers: ClinVar variation 1058450 (VCV001058450.9), dbSNP rs1341060782, ClinGen allele CA376836787.
Genomic context (GRCh38, chr10:68,231,479, plus strand): 5'-TCAGGGCCATCTGCAGGGTCTCGTACTTGGACAGCTTTTTATCCTGGCCCCACTGGGGAA[C>G]CACCCTGCGTAAGCGGTCGAAGGCAGTGTTGAGCCCCTGCATGCGGCGGCGCTCGCGCGC-3'
Protein context (NP_660161.1, residues 57-77): NTAFDRLRRV[Val67Leu]PQWGQDKKLS